The following is an entry in ClinVar:

NM_014141.6(CNTNAP2):c.3234C>T (p.Leu1078=)

Gene: CNTNAP2 (contactin associated protein 2; plus strand). Cytogenetic location: 7q36.1.
Variant type: single nucleotide variant.
Coding change: c.3234C>T on transcript NM_014141.6 (MANE Select); coding-DNA position 3234, C replaced by T.
Protein change: p.Leu1078=; no amino-acid change (leucine 1078 retained).
Molecular consequence: synonymous variant.
Genome position (GRCh38, 1-based): chr7:148,217,511, C>T. VCF-style: chr7-148217511-C-T. GRCh37 (hg19) VCF-style: chr7-147914603-C-T.
Identifiers: ClinVar variation 380357 (VCV000380357.9), dbSNP rs199563642, ClinGen allele CA4546574.

ClinVar aggregate classification (germline): Likely benign. Review status: criteria provided, multiple submitters, no conflicts (2 of 4 stars). 2 submissions from 2 submitters: Likely benign (2). Last evaluated 2025-03-16.

Conditions:
Cortical dysplasia-focal epilepsy syndrome (PTHSL1). Also called: Pitt-Hopkins-like syndrome 1. Identifiers: Orphanet 163681, Orphanet 221150, MedGen C2750246, MONDO:0012400, OMIM 610042.

Allele frequency attached by ClinVar (database versions not stated): gnomAD exomes 0.00001 and 0.00002; ExAC 0.00003; gnomAD 0.00006 and 0.00007; TOPMed 0.00007; 1000 Genomes Project 0.00020; 1000 Genomes Project 30x 0.00031.
gnomAD v4.1: 18 of 1,614,144 alleles (0.0011%); highest among the groups gnomAD compares: Middle Eastern, 0.016%; no homozygotes.

Submissions (2):

Labcorp Genetics (formerly Invitae), Labcorp
Classification: Likely benign for Cortical dysplasia-focal epilepsy syndrome. Last evaluated: 2025-03-16. Review status: criteria provided, single submitter. Criteria: Invitae Variant Classification Sherloc (09022015). Collection method: clinical testing. Allele origin: germline.

GeneDx
Classification: Likely benign. Last evaluated: 2015-10-30. Review status: criteria provided, single submitter. Criteria: GeneDx Variant Classification (06012015). Collection method: clinical testing. Allele origin: germline. Affected: yes.
Comment: This variant is considered likely benign or benign based on one or more of the following criteria: it is a conservative change, it occurs at a poorly conserved position in the protein, it is predicted to be benign by multiple in silico algorithms, and/or has population frequency not consistent with disease.